The following is an entry in ClinVar:

ClinVar aggregate classification (germline): Uncertain significance. Review status: criteria provided, multiple submitters, no conflicts (2 of 4 stars). 2 submissions from 2 submitters: Uncertain significance (2). Last evaluated 2026-02-24.

Conditions:
Inborn genetic diseases. Identifiers: MedGen C0950123, MeSH D030342.

Allele frequency attached by ClinVar (database versions not stated): gnomAD exomes 0.00001; gnomAD 0.00003; TOPMed 0.00003.
gnomAD v4.1: 15 of 1,555,366 alleles (0.00096%); highest among the groups gnomAD compares: African/African-American, 0.0082%; no homozygotes.

Submissions (2):

Ambry Genetics
Classification: Uncertain significance for Inborn genetic diseases. Last evaluated: 2026-02-24. Review status: criteria provided, single submitter. Criteria: Ambry Variant Classification Scheme 2023. Collection method: clinical testing. Allele origin: germline.
Comment: The c.2456A>G (p.Y819C) alteration is located in exon 23 (coding exon 23) of the PROM1 gene. This alteration results from a A to G substitution at nucleotide position 2456, causing the tyrosine (Y) at amino acid position 819 to be replaced by a cysteine (C). Based on data from gnomAD, the G allele has an overall frequency of 0.001% (2/197770) total alleles studied. The highest observed frequency was 0.006% (1/17916) of African alleles. Based on insufficient or conflicting evidence, the clinical significance of this alteration remains unclear.

Labcorp Genetics (formerly Invitae), Labcorp
Classification: Uncertain significance. Last evaluated: 2023-12-07. Review status: criteria provided, single submitter. Criteria: Invitae Variant Classification Sherloc (09022015). Collection method: clinical testing. Allele origin: germline.
Comment: This sequence change replaces tyrosine, which is neutral and polar, with cysteine, which is neutral and slightly polar, at codon 819 of the PROM1 protein (p.Tyr819Cys). This variant is present in population databases (no rsID available, gnomAD 0.006%). This variant has not been reported in the literature in individuals affected with PROM1-related conditions. ClinVar contains an entry for this variant (Variation ID: 2084640). Advanced modeling of protein sequence and biophysical properties (such as structural, functional, and spatial information, amino acid conservation, physicochemical variation, residue mobility, and thermodynamic stability) performed at Invitae indicates that this missense variant is expected to disrupt PROM1 protein function with a positive predictive value of 80%. In summary, the available evidence is currently insufficient to determine the role of this variant in disease. Therefore, it has been classified as a Variant of Uncertain Significance.

NM_006017.3(PROM1):c.2456A>G (p.Tyr819Cys)

Gene: PROM1 (prominin 1; minus strand). Cytogenetic location: 4p15.32.
Variant type: single nucleotide variant.
Coding change: c.2456A>G on transcript NM_006017.3 (MANE Select); coding-DNA position 2456, A replaced by G.
Protein change: p.Tyr819Cys; replaces tyrosine 819 with cysteine.
Molecular consequence: missense variant.
Genome position (GRCh38, 1-based): chr4:15,980,455, T>C on the plus strand (A>G on the coding strand, the complement: PROM1 is on the minus strand). VCF-style: chr4-15980455-T-C. GRCh37 (hg19) VCF-style: chr4-15982078-T-C.
Other names: c.2429A>G, p.Tyr810Cys (NM_001145847.2, NM_001145848.2, NM_001145851.2 and 4 more transcripts); c.2456A>G, p.Tyr819Cys (NM_001145849.2, NM_001145850.2); c.2456A>G (NM_006017.2); short protein forms Y819C, Y810C.
Identifiers: ClinVar variation 2084640 (VCV002084640.5), dbSNP rs912618452, ClinGen allele CA92566420.